The following is an entry in ClinVar:

NM_007294.4(BRCA1):c.135-3999C>T

Gene: BRCA1 (BRCA1 DNA repair associated; minus strand). Cytogenetic location: 17q21.31.
Variant type: single nucleotide variant.
Coding change: c.135-3999C>T on transcript NM_007294.4 (MANE Select); 3999 bases into the intron before coding-DNA position 135, C replaced by T.
Molecular consequence: intron variant. On other transcripts: 5 prime UTR variant (20).
Genome position (GRCh38, 1-based): chr17:43,110,532, G>A on the plus strand (C>T on the coding strand, the complement: BRCA1 is on the minus strand). VCF-style: chr17-43110532-G-A. GRCh37 (hg19) VCF-style: chr17-41262549-G-A.
Other names: IVS 3-3999C>T; c.-75C>T (NM_001407694.1, NM_001407696.1, NM_001407724.1 and 14 more transcripts); c.-122C>T (NM_001407900.1, NM_001408492.1); c.-237C>T (NM_001407965.1); c.-7-3999C>T (NM_001408458.1, NM_001407931.1, NM_001407747.1 and 81 more transcripts); c.-219+14745C>T (NM_001407967.1); c.-169-5576C>T (NM_001407959.1, NM_001407963.1); c.-170+5194C>T (NM_001407962.1, NM_001408512.1, NM_001408510.1 and 1 more transcripts); and 7 more.
Identifiers: ClinVar variation 209510 (VCV000209510.2), dbSNP rs75129942, ClinGen allele CA053111.

ClinVar aggregate classification (germline): Benign (3 of 4 stars; one submission).

Conditions:
Breast-ovarian cancer, familial, susceptibility to, 1 (BROVCA1). Also called: BRCA1 Hereditary Breast and Ovarian Cancer; OVARIAN CANCER, SUSCEPTIBILITY TO. Identifiers: Orphanet 145, MedGen C2676676, MONDO:0011450, OMIM 604370. Disease mechanism: loss of function.

Allele frequency attached by ClinVar (database versions not stated): 1000 Genomes Project 0.01138; 1000 Genomes Project 30x 0.01140; ExAC 0.01696; gnomAD exomes 0.01707 and 0.01957; TOPMed 0.01773; gnomAD 0.01959 and 0.02003.
gnomAD v4.1: 8,645 of 441,038 alleles (2%); highest among the groups gnomAD compares: Non-Finnish European, 2.7%; 148 homozygotes.

Submission:

Evidence-based Network for the Interpretation of Germline Mutant Alleles (ENIGMA)
Classification: Benign for Breast-ovarian cancer, familial 1. Last evaluated: 2015-01-12. Review status: reviewed by expert panel. Criteria: ENIGMA BRCA1/2 Classification Criteria (2015). Collection method: curation. Allele origin: germline.
Comment: Class 1 not pathogenic based on frequency >1% in an outbred sampleset. Frequency 0.01016 (African), 0.03166 (European), derived from 1000 genomes (2012-04-30).